The following is an entry in ClinVar:

NM_004260.4(RECQL4):c.3124G>A (p.Asp1042Asn)

Gene: RECQL4 (RecQ like helicase 4; minus strand). Cytogenetic location: 8q24.3.
Variant type: single nucleotide variant.
Coding change: c.3124G>A on transcript NM_004260.4 (MANE Select); coding-DNA position 3124, G replaced by A.
Protein change: p.Asp1042Asn; replaces aspartic acid 1042 with asparagine.
Molecular consequence: missense variant.
Genome position (GRCh38, 1-based): chr8:144,512,256, C>T on the plus strand (G>A on the coding strand, the complement: RECQL4 is on the minus strand). VCF-style: chr8-144512256-C-T. GRCh37 (hg19) VCF-style: chr8-145737639-C-T.
Other names: short protein forms D1042N.
Identifiers: ClinVar variation 846860 (VCV000846860.8), dbSNP rs1827384465, ClinGen allele CA372670483.

ClinVar aggregate classification (germline): Uncertain significance. Review status: criteria provided, multiple submitters, no conflicts (2 of 4 stars). 3 submissions from 3 submitters: Uncertain significance (3). Last evaluated 2025-12-21.

Conditions:
Inborn genetic diseases. Identifiers: MedGen C0950123, MeSH D030342.
Baller-Gerold syndrome (BGS). Also called: CRANIOSYNOSTOSIS WITH RADIAL DEFECTS. Identifiers: Orphanet 1225, MedGen C0265308, MONDO:0009039, OMIM 218600.
RECQL4-related disorder. Also called: RECQL4-related disorders; RECQL4-related condition.

Submissions (3):

Ambry Genetics
Classification: Uncertain significance for Inborn genetic diseases. Last evaluated: 2025-12-21. Review status: criteria provided, single submitter. Criteria: Ambry Variant Classification Scheme 2023. Collection method: clinical testing. Allele origin: germline.
Comment: The p.D1042N variant (also known as c.3124G>A), located in coding exon 18 of the RECQL4 gene, results from a G to A substitution at nucleotide position 3124. The aspartic acid at codon 1042 is replaced by asparagine, an amino acid with highly similar properties. This amino acid position is conserved. Based on the available evidence, the clinical significance of this variant remains unclear.

Labcorp Genetics (formerly Invitae), Labcorp
Classification: Uncertain significance for Baller-Gerold syndrome. Last evaluated: 2025-11-10. Review status: criteria provided, single submitter. Criteria: Invitae Variant Classification Sherloc (09022015). Collection method: clinical testing. Allele origin: germline.
Comment: This sequence change replaces aspartic acid, which is acidic and polar, with asparagine, which is neutral and polar, at codon 1042 of the RECQL4 protein (p.Asp1042Asn). This variant is not present in population databases (gnomAD no frequency). This variant has not been reported in the literature in individuals affected with RECQL4-related conditions. ClinVar contains an entry for this variant (Variation ID: 846860). Invitae Evidence Modeling of protein sequence and biophysical properties (such as structural, functional, and spatial information, amino acid conservation, physicochemical variation, residue mobility, and thermodynamic stability) indicates that this missense variant is not expected to disrupt RECQL4 protein function with a negative predictive value of 80%. In summary, the available evidence is currently insufficient to determine the role of this variant in disease. Therefore, it has been classified as a Variant of Uncertain Significance.

PreventionGenetics, part of Exact Sciences
Classification: Uncertain significance for RECQL4-related condition. Last evaluated: 2022-10-21. Review status: criteria provided, single submitter. Criteria: ACMG Guidelines, 2015. Collection method: clinical testing. Allele origin: germline.
Comment: The RECQL4 c.3124G>A variant is predicted to result in the amino acid substitution p.Asp1042Asn. To our knowledge, this variant has not been reported in the literature or in a large population database, indicating this variant is rare. At this time, the clinical significance of this variant is uncertain due to the absence of conclusive functional and genetic evidence.